The following is an entry in ClinVar:

ClinVar aggregate classification (germline): Uncertain significance (1 of 4 stars; one submission).

Conditions:
Cardiomyopathy (CMYO). Also called: Cardiomyopathies. Identifiers: Orphanet 167848, MedGen C0878544, MONDO:0004994, HP:0001638. Inheritance: Various modes of inheritance.

Submission:

Color Diagnostics, LLC DBA Color Health
Classification: Uncertain significance for Cardiomyopathy. Last evaluated: 2024-04-08. Review status: criteria provided, single submitter. Criteria: ACMG Guidelines, 2015. Collection method: clinical testing. Allele origin: germline.
Comment: This variant causes a C to A nucleotide substitution at the -13 position of intron 19 of the RYR2 gene. Splice site prediction tools predict that this variant may have a significant impact on RNA splicing. To our knowledge, functional RNA studies have not been reported for this variant. This variant has not been reported in individuals affected with RYR2-related disorders in the literature. This variant has not been identified in the general population by the Genome Aggregation Database (gnomAD). Clinical relevance of loss-of-function RYR2 truncation variants in autosomal dominant cardiovascular disorders is not clearly established. The available evidence is insufficient to determine the role of this variant in disease conclusively. Therefore, this variant is classified as a Variant of Uncertain Significance.

NM_001035.3(RYR2):c.1962-13C>A

Gene: RYR2 (ryanodine receptor 2; plus strand). Cytogenetic location: 1q43.
Variant type: single nucleotide variant.
Coding change: c.1962-13C>A on transcript NM_001035.3 (MANE Select); 13 bases into the intron before coding-DNA position 1962, C replaced by A.
Molecular consequence: intron variant.
Genome position (GRCh38, 1-based): chr1:237,496,498, C>A. VCF-style: chr1-237496498-C-A. GRCh37 (hg19) VCF-style: chr1-237659798-C-A.
Identifiers: ClinVar variation 3893777 (VCV003893777.1).